The following is an entry in ClinVar:

NM_138691.3:c.(64+1_65-1)_(363+1_363-1)del

Gene: TMC1 (transmembrane channel like 1; plus strand).
Variant type: Deletion.
Other names: c.(64+1_65-1)_(363+1_363-1)del (NM_138691.3).
Identifiers: ClinVar variation 4076514 (VCV004076514.1).

ClinVar aggregate classification (germline): Pathogenic (1 of 4 stars; one submission).

Conditions:
Autosomal recessive nonsyndromic hearing loss 7. Also called: DEAFNESS, AUTOSOMAL RECESSIVE 11. Identifiers: Orphanet 90636, MedGen C1832978, MONDO:0010967, OMIM 600974.

Submission:

ENT and Head and Neck Research Center and Department,  The Five Senses Health Institute, Iran University of Medical Sciences
Classification: Pathogenic for Autosomal recessive nonsyndromic hearing loss 7. Last evaluated: 2025-08-20. Review status: criteria provided, single submitter. Criteria: ClinGen HL ACMG Specifications v1. Collection method: clinical testing. Allele origin: germline. Affected: yes.
Comment: PVS1: Null variant (intronic within ±2 of splice site) in gene TMC1. Loss-of-function is a known mechanism of disease, PM2: Variant not found in gnomAD genomes, PP1: Segregation in one affected relative for recessive

Literature cited by the submitters: PubMed 41231290.